The following is an entry in ClinVar:

NM_005502.4(ABCA1):c.*395T>A

Genes: ABCA1 (ATP binding cassette subfamily A member 1; minus strand), NIPSNAP3B (nipsnap homolog 3B; plus strand). Cytogenetic location: 9q31.1.
Variant type: single nucleotide variant.
Coding change: c.*395T>A on transcript NM_005502.4 (MANE Select); 395 bases downstream of the stop codon, T replaced by A.
Molecular consequence: 3 prime UTR variant.
Genome position (GRCh38, 1-based): chr9:104,783,920, A>T on the plus strand (T>A on the coding strand, the complement: ABCA1 is on the minus strand). VCF-style: chr9-104783920-A-T. GRCh37 (hg19) VCF-style: chr9-107546201-A-T.
Identifiers: ClinVar variation 364367 (VCV000364367.6), dbSNP rs73517870, ClinGen allele CA10626150.

ClinVar aggregate classification (germline): Benign. Review status: criteria provided, multiple submitters, no conflicts (2 of 4 stars). 3 submissions from 2 submitters: Benign (3). Last evaluated 2021-05-10.

Conditions:
Hypoalphalipoproteinemia, primary, 1. Identifiers: Orphanet 425, MedGen C5231558, MONDO:0011393, OMIM 604091.
Tangier disease (TGD). Also called: HIGH DENSITY LIPOPROTEIN DEFICIENCY, TANGIER TYPE; HIGH DENSITY LIPOPROTEIN DEFICIENCY, TYPE 1; Cholesterol thesaurismosis. Identifiers: Orphanet 31150, MedGen C0039292, MONDO:0008783, OMIM 205400.

Allele frequency attached by ClinVar (database versions not stated): gnomAD exomes 0.01326; gnomAD 0.05665 and 0.05814; TOPMed 0.06373; 1000 Genomes Project 0.08207; 1000 Genomes Project 30x 0.08276.
gnomAD v4.1: 9,005 of 189,092 alleles (4.8%); highest among the groups gnomAD compares: African/African-American, 18%; 709 homozygotes.

Submissions (3):

GeneDx
Classification: Benign. Last evaluated: 2021-05-10. Review status: criteria provided, single submitter. Criteria: GeneDx Variant Classification Process June 2021. Collection method: clinical testing. Allele origin: germline. Affected: yes.

Illumina Laboratory Services, Illumina
Classification: Benign for Hypoalphalipoproteinemia, primary, 1. Last evaluated: 2018-01-13. Review status: criteria provided, single submitter. Criteria: ICSL Variant Classification Criteria 13 December 2019. Collection method: clinical testing. Allele origin: germline.
Comment: This variant was observed in the ICSL laboratory as part of a predisposition screen in an ostensibly healthy population. It had not been previously curated by ICSL or reported in the Human Gene Mutation Database (HGMD: prior to June 1st, 2018), and was therefore a candidate for classification through an automated scoring system. Utilizing variant allele frequency, disease prevalence and penetrance estimates, and inheritance mode, an automated score was calculated to assess if this variant is too frequent to cause the disease. Based on the score and internal cut-off values, a variant classified as benign is not then subjected to further curation. The score for this variant resulted in a classification of benign for this disease.

Illumina Laboratory Services, Illumina
Classification: Benign for Tangier disease. Last evaluated: 2018-01-13. Review status: criteria provided, single submitter. Criteria: ICSL Variant Classification Criteria 13 December 2019. Collection method: clinical testing. Allele origin: germline.
Comment: the same text as in the submission from Illumina Laboratory Services, Illumina above.